The following is an entry in ClinVar:

ClinVar aggregate classification (germline): Uncertain significance. Review status: criteria provided, multiple submitters, no conflicts (2 of 4 stars). 2 submissions from 2 submitters: Uncertain significance (2). Last evaluated 2024-12-25.

Conditions:
Inborn genetic diseases. Identifiers: MedGen C0950123, MeSH D030342.

Allele frequency attached by ClinVar (database versions not stated): gnomAD 0.00002; TOPMed 0.00001.
gnomAD v4.1: 3 of 1,613,928 alleles (0.00019%); highest among the groups gnomAD compares: African/African-American, 0.0027%; no homozygotes.

Submissions (2):

Ambry Genetics
Classification: Uncertain significance for Inborn genetic diseases. Last evaluated: 2024-12-25. Review status: criteria provided, single submitter. Criteria: Ambry Variant Classification Scheme 2023. Collection method: clinical testing. Allele origin: germline.

Labcorp Genetics (formerly Invitae), Labcorp
Classification: Uncertain significance. Last evaluated: 2024-03-20. Review status: criteria provided, single submitter. Criteria: Invitae Variant Classification Sherloc (09022015). Collection method: clinical testing. Allele origin: germline.
Comment: This sequence change replaces glutamic acid, which is acidic and polar, with aspartic acid, which is acidic and polar, at codon 1535 of the COL7A1 protein (p.Glu1535Asp). This variant is present in population databases (no rsID available, gnomAD 0.06%). This variant has not been reported in the literature in individuals affected with COL7A1-related conditions. ClinVar contains an entry for this variant (Variation ID: 1500817). Advanced modeling of protein sequence and biophysical properties (such as structural, functional, and spatial information, amino acid conservation, physicochemical variation, residue mobility, and thermodynamic stability) performed at Invitae indicates that this missense variant is not expected to disrupt COL7A1 protein function with a negative predictive value of 95%. In summary, the available evidence is currently insufficient to determine the role of this variant in disease. Therefore, it has been classified as a Variant of Uncertain Significance.

NM_000094.4(COL7A1):c.4605G>C (p.Glu1535Asp)

Gene: COL7A1 (collagen type VII alpha 1 chain; minus strand). Cytogenetic location: 3p21.31.
Variant type: single nucleotide variant.
Coding change: c.4605G>C on transcript NM_000094.4 (MANE Select); coding-DNA position 4605, G replaced by C.
Protein change: p.Glu1535Asp; replaces glutamic acid 1535 with aspartic acid.
Molecular consequence: missense variant.
Genome position (GRCh38, 1-based): chr3:48,582,353, C>G on the plus strand (G>C on the coding strand, the complement: COL7A1 is on the minus strand). VCF-style: chr3-48582353-C-G. GRCh37 (hg19) VCF-style: chr3-48619786-C-G.
Other names: c.4605G>C (NM_000094.3); short protein forms E1535D.
Identifiers: ClinVar variation 1500817 (VCV001500817.6), dbSNP rs1285793084, ClinGen allele CA352687503.